The following is an entry in ClinVar:

ClinVar aggregate classification (germline): Conflicting classifications of pathogenicity. Review status: criteria provided, conflicting classifications (1 of 4 stars). 3 submissions from 3 submitters: Uncertain significance (2); Likely benign (1). Last evaluated 2025-10-28.

Conditions:
Inborn genetic diseases. Identifiers: MedGen C0950123, MeSH D030342.
Treacher Collins syndrome 1 (TCS1). Also called: TCOF1-Related Treacher Collins Syndrome. Identifiers: Orphanet 861, MedGen CN315775, MONDO:0007944, OMIM 154500.

gnomAD v4.1: 95 of 1,614,056 alleles (0.0059%); highest among the groups gnomAD compares: Non-Finnish European, 0.0074%; no homozygotes.

Submissions (3):

Labcorp Genetics (formerly Invitae), Labcorp
Classification: Uncertain significance for Treacher Collins syndrome 1. Last evaluated: 2025-10-28. Review status: criteria provided, single submitter. Criteria: Invitae Variant Classification Sherloc (09022015). Collection method: clinical testing. Allele origin: germline.
Comment: This sequence change replaces lysine, which is basic and polar, with arginine, which is basic and polar, at codon 1477 of the TCOF1 protein (p.Lys1477Arg). This variant is present in population databases (rs370806030, gnomAD 0.01%). This variant has not been reported in the literature in individuals affected with TCOF1-related conditions. ClinVar contains an entry for this variant (Variation ID: 3805194). An algorithm developed to predict the effect of missense changes on protein structure and function outputs the following: PolyPhen-2: "Not Available". The arginine amino acid residue is found in multiple mammalian species, which suggests that this missense change does not adversely affect protein function. In summary, the available evidence is currently insufficient to determine the role of this variant in disease. Therefore, it has been classified as a Variant of Uncertain Significance.

Ambry Genetics
Classification: Uncertain significance for Inborn genetic diseases. Last evaluated: 2024-12-31. Review status: criteria provided, single submitter. Criteria: Ambry Variant Classification Scheme 2023. Collection method: clinical testing. Allele origin: germline.

Blueprint Genetics
Classification: Likely benign. Last evaluated: 2024-08-07. Review status: criteria provided, single submitter. Criteria: ACMG Guidelines, 2015. Collection method: clinical testing. Allele origin: germline.

NM_001371623.1(TCOF1):c.4433A>G (p.Lys1478Arg)

Gene: TCOF1 (treacle ribosome biogenesis factor 1; plus strand). Cytogenetic location: 5q32.
Variant type: single nucleotide variant.
Coding change: c.4433A>G on transcript NM_001371623.1 (MANE Select); coding-DNA position 4433, A replaced by G.
Protein change: p.Lys1478Arg; replaces lysine 1478 with arginine.
Molecular consequence: missense variant.
Genome position (GRCh38, 1-based): chr5:150,398,441, A>G. VCF-style: chr5-150398441-A-G. GRCh37 (hg19) VCF-style: chr5-149778004-A-G.
Other names: c.4199A>G, p.Lys1400Arg (NM_000356.4); c.4430A>G, p.Lys1477Arg (NM_001135243.2); c.4319A>G, p.Lys1440Arg (NM_001135244.2); c.4202A>G, p.Lys1401Arg (NM_001135245.2); c.4316A>G, p.Lys1439Arg (NM_001195141.2); short protein forms K1400R, K1439R, K1401R, K1440R, K1477R, K1478R.
Identifiers: ClinVar variation 3805194 (VCV003805194.3).